The following is an entry in ClinVar:

ClinVar aggregate classification (germline): Pathogenic/Likely pathogenic. Review status: criteria provided, multiple submitters, no conflicts (2 of 4 stars). 7 submissions from 7 submitters: Pathogenic (4); Likely pathogenic (3). Last evaluated 2025-09-13.

Conditions:
Hyperinsulinemic hypoglycemia, familial, 1 (HHF1). Also called: Persistent hyperinsulinemic hypoglycemia of infancy; Persistent Hyperinsulinemia Hypoglycemia of Infancy; HYPERINSULINISM, FAMILIAL, WITH PANCREATIC NESIDIOBLASTOSIS; HYPOGLYCEMIA, HYPERINSULINEMIC, OF INFANCY; NESIDIOBLASTOSIS OF PANCREAS. Identifiers: Orphanet 276575, Orphanet 276598, MedGen C2931832, MONDO:0009734, OMIM 256450.
Familial hyperinsulinism. Also called: Congenital hyperinsulinism. Identifiers: Orphanet 276525, MedGen C3888018, MONDO:0017182. Disease mechanism: loss of function.
Type 2 diabetes mellitus. Also called: Type II diabetes mellitus. Identifiers: MedGen C0011860, MeSH D003924, MONDO:0005148, OMIM 125853, HP:0005978.
Hereditary hyperinsulinism.
Leucine-induced hypoglycemia (LIH). Also called: LEUCINE-SENSITIVE HYPOGLYCEMIA OF INFANCY. Identifiers: MedGen C0271714, MONDO:0009415, OMIM 240800.
Diabetes mellitus, transient neonatal, 2 (TNDM2). Identifiers: Orphanet 99886, MedGen C1835887, MONDO:0012480, OMIM 610374. Disease mechanism: loss of function.
Diabetes mellitus, permanent neonatal 3. Also called: ABCC8-Related Permanent Neonatal Diabetes Mellitus. Identifiers: MedGen C5394303, MONDO:0030088, OMIM 618857.

Submissions (7):

Natera, Inc.
Classification: Likely pathogenic for Hereditary hyperinsulinism. Last evaluated: 2025-09-13. Review status: criteria provided, single submitter. Criteria: Natera Variant Classification Schema (03/2026). Collection method: clinical testing. Allele origin: germline.
Comment: The c.805del variant in ABCC8 is a frameshift variant predicted to shift the reading frame beginning at codon 269 and leads to a stop codon 90 codons downstream. This variant is expected to result in nonsense mediated decay, truncation, or a dysfunctional protein product. This variant is rare in the general population with a frequency below the threshold expected for the associated phenotype(s). Given the available evidence, this variant is classified as Likely Pathogenic.

Labcorp Genetics (formerly Invitae), Labcorp
Classification: Pathogenic. Last evaluated: 2025-08-26. Review status: criteria provided, single submitter. Criteria: Invitae Variant Classification Sherloc (09022015). Collection method: clinical testing. Allele origin: germline.
Comment: This sequence change creates a premature translational stop signal (p.Ala269Profs*90) in the ABCC8 gene. It is expected to result in an absent or disrupted protein product. Loss-of-function variants in ABCC8 are known to be pathogenic (PMID: 20685672, 23345197). This variant is present in population databases (no rsID available, gnomAD 0.003%). This premature translational stop signal has been observed in individual(s) with autosomal recessive familial hyperinsulinism (PMID: 23275527). ClinVar contains an entry for this variant (Variation ID: 1338676). For these reasons, this variant has been classified as Pathogenic.

Fulgent Genetics
Classification: Pathogenic for Type 2 diabetes mellitus; Leucine-induced hypoglycemia; Hyperinsulinemic hypoglycemia, familial, 1; Diabetes mellitus, transient neonatal, 2; Diabetes mellitus, permanent neonatal 3. Last evaluated: 2024-04-10. Review status: criteria provided, single submitter. Criteria: ACMG Guidelines, 2015. Collection method: clinical testing. Allele origin: germline.

Broad Center for Mendelian Genomics, Broad Institute of MIT and Harvard
Classification: Pathogenic for Hyperinsulinemic hypoglycemia, familial, 1. Last evaluated: 2023-08-16. Review status: criteria provided, single submitter. Criteria: ACMG Guidelines, 2015. Collection method: curation. Allele origin: germline. Inheritance: Autosomal recessive inheritance.
Comment: The p.Ala269ProfsTer90 variant in ABCC8 has been previously reported in 1 individual, in the homozygous state, with hyperinsulinemic hypoglycemia (PMID: 23275527), and has been identified in 0.003% (1/34592) of Latino/Admixed American chromosomes by the Genome Aggregation Database (gnomAD; dbSNP ID: rs372930264). Although this variant has been seen in the general population in a heterozygous state, its frequency is low enough to be consistent with a recessive carrier frequency. This variant has also been reported in ClinVar (Variation ID#: 1338676) and has been interpreted as likely pathogenic/pathogenic by Women's Health and Genetics/Laboratory Corporation of America (LabCorp), Genetic Services Laboratory (University of Chicago), and Invitae. This variant is predicted to cause a frameshift, which alters the protein’s amino acid sequence beginning at position 269 and leads to a premature termination codon 90 amino acids downstream. This alteration is then predicted to lead to a truncated or absent protein. Loss of function of the ABCC8 gene is an established disease mechanism in autosomal recessive hyperinsulinemic hypoglycemia. In summary, this variant meets criteria to be classified as pathogenic for autosomal recessive hyperinsulinemic hypoglycemia. ACMG/AMP Criteria applied: PVS1, PM2_supporting, PM3_supporting (Richards 2015).

Baylor Genetics
Classification: Pathogenic for Type 2 diabetes mellitus. Last evaluated: 2023-05-28. Review status: criteria provided, single submitter. Criteria: ACMG Guidelines, 2015. Collection method: clinical testing. Allele origin: unknown.

Women's Health and Genetics/Laboratory Corporation of America, LabCorp
Classification: Likely pathogenic for Familial hyperinsulinism. Last evaluated: 2022-07-25. Review status: criteria provided, single submitter. Criteria: LabCorp Variant Classification Summary - May 2015. Collection method: clinical testing. Allele origin: germline.
Comment: Variant summary: ABCC8 c.805delG (p.Ala269ProfsX90) results in a premature termination codon, predicted to cause a truncation of the encoded protein or absence of the protein due to nonsense mediated decay, which are commonly known mechanisms for disease. Truncations downstream of this position have been classified as pathogenic by our laboratory. The variant allele was found at a frequency of 4e-06 in 251320 control chromosomes. c.805delG has been reported in the literature in at least one individual affected with Congenital Hyperinsulinism (Snider_2013). These data indicate that the variant may be associated with disease. To our knowledge, no experimental evidence demonstrating an impact on protein function has been reported. Two clinical diagnostic laboratories have submitted clinical-significance assessments for this variant to ClinVar after 2014 without evidence for independent evaluation. All laboratories classified the variant as pathogenic/likely pathogenic. Based on the evidence outlined above, the variant was classified as likely pathogenic.

Genetic Services Laboratory, University of Chicago
Classification: Likely pathogenic. Last evaluated: 2021-11-12. Review status: criteria provided, single submitter. Criteria: ACMG Guidelines, 2015. Collection method: clinical testing. Allele origin: germline. Affected: yes.

Literature cited by the submitters: PubMed 20685672 (cited by Labcorp Genetics (formerly Invitae), Labcorp); PubMed 23345197 (cited by Labcorp Genetics (formerly Invitae), Labcorp); PubMed 23275527 (cited by Labcorp Genetics (formerly Invitae), Labcorp and Women's Health and Genetics/Laboratory Corporation of America, LabCorp).

NM_000352.6(ABCC8):c.805del (p.Ala269fs)

Gene: ABCC8 (ATP binding cassette subfamily C member 8; minus strand). Cytogenetic location: 11p15.1.
Variant type: Deletion.
Coding change: c.805del on transcript NM_000352.6 (MANE Select); coding-DNA position 805, one base deleted (G; older notation c.805delG).
Protein change: p.Ala269fs; shifts the reading frame from alanine 269.
Molecular consequence: frameshift variant. On other transcripts: non-coding transcript variant (1).
Genome position (GRCh38, 1-based): chr11:17,461,600, C deleted on the plus strand (G on the coding strand, the reverse complement: ABCC8 is on the minus strand); the first of 2 consecutive C bases (chr11:17,461,600-17,461,601); deleting either gives the same sequence. VCF-style (leftmost placement, unchanged base first): chr11-17461599-GC-G. GRCh37 (hg19) VCF-style: chr11-17483146-GC-G.
Other names: NM_000352.6(ABCC8):c.805del; p.Ala269fs; c.805del, p.Ala269fs (NM_001351296.2, NM_001351297.2, NM_001287174.3 and 1 more transcripts); c.805del (NM_000352.4); short protein forms A269fs.
Identifiers: ClinVar variation 1338676 (VCV001338676.16), dbSNP rs1564976749, ClinGen allele CA597904544.